The following is an entry in ClinVar:

NM_014804.3(KIAA0753):c.754C>T (p.Arg252Cys)

Gene: KIAA0753 (KIAA0753; minus strand). Cytogenetic location: 17p13.1.
Variant type: single nucleotide variant.
Coding change: c.754C>T on transcript NM_014804.3 (MANE Select); coding-DNA position 754, C replaced by T.
Protein change: p.Arg252Cys; replaces arginine 252 with cysteine.
Molecular consequence: missense variant. On other transcripts: 5 prime UTR variant (1), non-coding transcript variant (1).
Genome position (GRCh38, 1-based): chr17:6,624,826, G>A on the plus strand (C>T on the coding strand, the complement: KIAA0753 is on the minus strand). VCF-style: chr17-6624826-G-A. GRCh37 (hg19) VCF-style: chr17-6528146-G-A.
Other names: c.-481C>T (NM_001351225.2); short protein forms R252C.
Identifiers: ClinVar variation 445629 (VCV000445629.21), dbSNP rs141632537, ClinGen allele CA8330711.

ClinVar aggregate classification (germline): Benign/Likely benign. Review status: criteria provided, multiple submitters, no conflicts (2 of 4 stars). 6 submissions from 6 submitters: Benign (1); Likely benign (4). 1 of the submissions does not count toward it. Last evaluated 2026-01-15.

Conditions:
Inborn genetic diseases. Identifiers: MedGen C0950123, MeSH D030342.
KIAA0753-related disorder.

Allele frequency attached by ClinVar (database versions not stated): gnomAD exomes 0.00046 and 0.00087; ExAC 0.00167; 1000 Genomes Project 0.00240; ESP Exome Variant Server 0.00256; 1000 Genomes Project 30x 0.00281; gnomAD 0.00315 and 0.00337; TOPMed 0.00368.
gnomAD v4.1: 1,138 of 1,561,708 alleles (0.073%); highest among the groups gnomAD compares: African/African-American, 1.1%; 1 homozygote.

Submissions (6):

Labcorp Genetics (formerly Invitae), Labcorp
Classification: Benign. Last evaluated: 2026-01-15. Review status: criteria provided, single submitter. Criteria: Invitae Variant Classification Sherloc (09022015). Collection method: clinical testing. Allele origin: germline.

CeGaT Center for Human Genetics Tuebingen
Classification: Likely benign. Last evaluated: 2025-12-01. Review status: criteria provided, single submitter. Criteria: CeGaT Center For Human Genetics Tuebingen Variant Classification Criteria Version 2. Collection method: clinical testing. Allele origin: germline. Affected: yes. Observed: 1 variant allele.
Comment: KIAA0753: BP4, BS1

Blueprint Genetics
Classification: Likely benign. Last evaluated: 2024-10-18. Review status: criteria provided, single submitter. Criteria: ACMG Guidelines, 2015. Collection method: clinical testing. Allele origin: germline.

Ambry Genetics
Classification: Likely benign for Inborn genetic diseases. Last evaluated: 2024-09-02. Review status: criteria provided, single submitter. Criteria: Ambry Variant Classification Scheme 2023. Collection method: clinical testing. Allele origin: germline.

Center for Pediatric Genomic Medicine, Children's Mercy Hospital and Clinics
Classification: Likely benign. Last evaluated: 2017-06-19. Review status: criteria provided, single submitter. Criteria: ACMG Guidelines, 2015. Collection method: clinical testing. Allele origin: germline.

PreventionGenetics, part of Exact Sciences
Classification: Benign for KIAA0753-related condition. Last evaluated: 2019-09-18. Review status: no assertion criteria provided. Collection method: clinical testing. Allele origin: germline. Not counted in ClinVar's aggregate classification.
Comment: This variant is classified as benign based on ACMG/AMP sequence variant interpretation guidelines (Richards et al. 2015 PMID: 25741868, with internal and published modifications).